The following is an entry in ClinVar:

NM_000444.6(PHEX):c.1702T>C (p.Ser568Pro)

Genes: PHEX (phosphate regulating endopeptidase X-linked; plus strand), PTCHD1-AS (PTCHD1 and PHEX antisense RNA; minus strand). Cytogenetic location: Xp22.11.
Variant type: single nucleotide variant.
Coding change: c.1702T>C on transcript NM_000444.6 (MANE Select); coding-DNA position 1702, T replaced by C.
Protein change: p.Ser568Pro; replaces serine 568 with proline.
Molecular consequence: missense variant.
Genome position (GRCh38, 1-based): chrX:22,219,037, T>C. VCF-style: chrX-22219037-T-C. GRCh37 (hg19) VCF-style: chrX-22237154-T-C.
Other names: c.1702T>C, p.Ser568Pro (NM_001282754.2); short protein forms S568P.
Identifiers: ClinVar variation 954162 (VCV000954162.8), dbSNP rs768470624, ClinGen allele CA412575719.

ClinVar aggregate classification (germline): Uncertain significance (1 of 4 stars; one submission).

Submission:

Labcorp Genetics (formerly Invitae), Labcorp
Classification: Uncertain significance. Last evaluated: 2019-10-21. Review status: criteria provided, single submitter. Criteria: Invitae Variant Classification Sherloc (09022015). Collection method: clinical testing. Allele origin: germline.
Comment: In summary, the available evidence is currently insufficient to determine the role of this variant in disease. Therefore, it has been classified as a Variant of Uncertain Significance. Algorithms developed to predict the effect of missense changes on protein structure and function (SIFT, PolyPhen-2, Align-GVGD) all suggest that this variant is likely to be disruptive, but these predictions have not been confirmed by published functional studies and their clinical significance is uncertain. This variant has not been reported in the literature in individuals with PHEX-related conditions. This variant is not present in population databases (ExAC no frequency). This sequence change replaces serine with proline at codon 568 of the PHEX protein (p.Ser568Pro). The serine residue is highly conserved and there is a moderate physicochemical difference between serine and proline.